The following is an entry in ClinVar:

NM_020937.4(FANCM):c.3278A>G (p.Asn1093Ser)

Gene: FANCM (FA complementation group M; plus strand). Cytogenetic location: 14q21.2.
Variant type: single nucleotide variant.
Coding change: c.3278A>G on transcript NM_020937.4 (MANE Select); coding-DNA position 3278, A replaced by G.
Protein change: p.Asn1093Ser; replaces asparagine 1093 with serine.
Molecular consequence: missense variant.
Genome position (GRCh38, 1-based): chr14:45,176,032, A>G. VCF-style: chr14-45176032-A-G. GRCh37 (hg19) VCF-style: chr14-45645235-A-G.
Other names: c.3200A>G, p.Asn1067Ser (NM_001308133.2); short protein forms N1093S, N1067S.
Identifiers: ClinVar variation 3848663 (VCV003848663.1).

ClinVar aggregate classification (germline): Uncertain significance (1 of 4 stars; one submission).

Conditions:
Inborn genetic diseases. Identifiers: MedGen C0950123, MeSH D030342.

Submission:

Ambry Genetics
Classification: Uncertain significance for Inborn genetic diseases. Last evaluated: 2025-01-27. Review status: criteria provided, single submitter. Criteria: Ambry Variant Classification Scheme 2023. Collection method: clinical testing. Allele origin: germline.
Comment: The p.N1093S variant (also known as c.3278A>G), located in coding exon 14 of the FANCM gene, results from an A to G substitution at nucleotide position 3278. The asparagine at codon 1093 is replaced by serine, an amino acid with highly similar properties. This amino acid position is conserved. In addition, this alteration is predicted to be tolerated by in silico analysis. Based on the available evidence, the clinical significance of this variant remains unclear.